The following is an entry in ClinVar:

ClinVar aggregate classification (germline): Uncertain significance (1 of 4 stars; one submission).

Allele frequency attached by ClinVar (database versions not stated): gnomAD exomes below 0.00001.
gnomAD v4.1: 3 of 1,612,474 alleles (0.00019%); highest among the groups gnomAD compares: Non-Finnish European, 0.00025%; no homozygotes.

Submission:

Ambry Genetics
Classification: Uncertain significance. Last evaluated: 2023-03-17. Review status: criteria provided, single submitter. Criteria: Ambry Variant Classification Scheme 2023. Collection method: clinical testing. Allele origin: germline.
Comment: The p.K815N variant (also known as c.2445G>C), located in coding exon 13 of the PALLD gene, results from a G to C substitution at nucleotide position 2445. The lysine at codon 815 is replaced by asparagine, an amino acid with similar properties. This amino acid position is conserved. In addition, this alteration is predicted to be tolerated by in silico analysis. Since supporting evidence is limited at this time, the clinical significance of this alteration remains unclear.

NM_001166108.2(PALLD):c.2496G>C (p.Lys832Asn)

Genes: CBR4 (carbonyl reductase 4; minus strand), PALLD (palladin, cytoskeletal associated protein; plus strand). Cytogenetic location: 4q32.3.
Variant type: single nucleotide variant.
Coding change: c.2496G>C on transcript NM_001166108.2 (MANE Select); coding-DNA position 2496, G replaced by C.
Protein change: p.Lys832Asn; replaces lysine 832 with asparagine.
Molecular consequence: missense variant.
Genome position (GRCh38, 1-based): chr4:168,903,780, G>C. VCF-style: chr4-168903780-G-C. GRCh37 (hg19) VCF-style: chr4-169824931-G-C.
Other names: c.1299G>C, p.Lys433Asn (NM_001166109.2); c.984G>C, p.Lys328Asn (NM_001166110.2); c.324G>C, p.Lys108Asn (NM_001367567.1, NM_001367569.1); c.375G>C, p.Lys125Asn (NM_001367568.1, NM_001367570.1); c.2445G>C, p.Lys815Asn (NM_016081.4); short protein forms K108N, K433N, K832N, K815N, K125N, K328N.
Identifiers: ClinVar variation 2563379 (VCV002563379.2), dbSNP rs2533837980, ClinGen allele CA358799283.